The following is an entry in ClinVar:

ClinVar aggregate classification (germline): Uncertain significance (1 of 4 stars; one submission).

Submission:

Labcorp Genetics (formerly Invitae), Labcorp
Classification: Uncertain significance. Last evaluated: 2026-01-14. Review status: criteria provided, single submitter. Criteria: Invitae Variant Classification Sherloc (09022015). Collection method: clinical testing. Allele origin: germline.
Comment: This sequence change replaces leucine, which is neutral and non-polar, with histidine, which is basic and polar, at codon 737 of the RFWD3 protein (p.Leu737His). This variant is present in population databases (rs774380663, gnomAD 0.02%). This variant has not been reported in the literature in individuals affected with RFWD3-related conditions. An algorithm developed to predict the effect of missense changes on protein structure and function (PolyPhen-2) suggests that this variant is likely to be disruptive. In summary, the available evidence is currently insufficient to determine the role of this variant in disease. Therefore, it has been classified as a Variant of Uncertain Significance.

NM_018124.4(RFWD3):c.2210T>A (p.Leu737His)

Gene: RFWD3 (ring finger and WD repeat domain 3; minus strand). Cytogenetic location: 16q23.1.
Variant type: single nucleotide variant.
Coding change: c.2210T>A on transcript NM_018124.4 (MANE Select); coding-DNA position 2210, T replaced by A.
Protein change: p.Leu737His; replaces leucine 737 with histidine.
Molecular consequence: missense variant.
Genome position (GRCh38, 1-based): chr16:74,624,043, A>T on the plus strand (T>A on the coding strand, the complement: RFWD3 is on the minus strand). VCF-style: chr16-74624043-A-T. GRCh37 (hg19) VCF-style: chr16-74657941-A-T.
Other names: c.2210T>A, p.Leu737His (NM_001370534.1, NM_001370535.1); c.2033T>A, p.Leu678His (NM_001370536.1); c.1376T>A, p.Leu459His (NM_001370537.1, NM_001370539.1, NM_001370540.1 and 2 more transcripts); short protein forms L459H, L678H, L737H.
Identifiers: ClinVar variation 4753604 (VCV004753604.1).